The following is an entry in ClinVar:

NM_003664.5(AP3B1):c.1747C>G (p.Pro583Ala)

Gene: AP3B1 (adaptor related protein complex 3 subunit beta 1; minus strand). Cytogenetic location: 5q14.1.
Variant type: single nucleotide variant.
Coding change: c.1747C>G on transcript NM_003664.5 (MANE Select); coding-DNA position 1747, C replaced by G.
Protein change: p.Pro583Ala; replaces proline 583 with alanine.
Molecular consequence: missense variant.
Genome position (GRCh38, 1-based): chr5:78,129,211, G>C on the plus strand (C>G on the coding strand, the complement: AP3B1 is on the minus strand). VCF-style: chr5-78129211-G-C. GRCh37 (hg19) VCF-style: chr5-77425035-G-C.
Other names: c.1600C>G, p.Pro534Ala (NM_001271769.2); short protein forms P534A, P583A.
Identifiers: ClinVar variation 661553 (VCV000661553.8), dbSNP rs1580385068, ClinGen allele CA360187850.

ClinVar aggregate classification (germline): Uncertain significance (1 of 4 stars; one submission).

Conditions:
Hermansky-Pudlak syndrome 2 (HPS2). Also called: Platelet defects and oculocutaneous albinism. Identifiers: Orphanet 183678, Orphanet 79430, MedGen C1842362, MONDO:0011997, OMIM 608233.

Allele frequency attached by ClinVar (database versions not stated): TOPMed below 0.00001.
gnomAD v4.1: 1 of 1,613,006 alleles (0.000062%); no homozygotes.

Submission:

Labcorp Genetics (formerly Invitae), Labcorp
Classification: Uncertain significance for Hermansky-Pudlak syndrome 2. Last evaluated: 2022-11-22. Review status: criteria provided, single submitter. Criteria: Invitae Variant Classification Sherloc (09022015). Collection method: clinical testing. Allele origin: germline.
Comment: This variant is not present in population databases (gnomAD no frequency). This sequence change replaces proline, which is neutral and non-polar, with alanine, which is neutral and non-polar, at codon 583 of the AP3B1 protein (p.Pro583Ala). This variant has not been reported in the literature in individuals affected with AP3B1-related conditions. ClinVar contains an entry for this variant (Variation ID: 661553). Algorithms developed to predict the effect of missense changes on protein structure and function (SIFT, PolyPhen-2, Align-GVGD) all suggest that this variant is likely to be tolerated. In summary, the available evidence is currently insufficient to determine the role of this variant in disease. Therefore, it has been classified as a Variant of Uncertain Significance.